The following is an entry in ClinVar:

ClinVar aggregate classification (germline): Conflicting classifications of pathogenicity. Review status: criteria provided, conflicting classifications (1 of 4 stars). 2 submissions from 2 submitters: Uncertain significance (1); Likely benign (1). Last evaluated 2023-03-09.

Conditions:
Charcot-Marie-Tooth disease axonal type 2O. Also called: Charcot-Marie-Tooth Neuropathy Type 2O; CHARCOT-MARIE-TOOTH NEUROPATHY, AXONAL, TYPE 2O; CHARCOT-MARIE-TOOTH DISEASE, AXONAL, AUTOSOMAL DOMINANT, TYPE 2O; Charcot-Marie-Tooth disease, axonal, type 20. Identifiers: Orphanet 284232, MedGen C3280220, MONDO:0013644, OMIM 614228.

Allele frequency attached by ClinVar (database versions not stated): gnomAD exomes below 0.00001; TOPMed below 0.00001.

Submissions (2):

GeneDx
Classification: Uncertain significance. Last evaluated: 2023-03-09. Review status: criteria provided, single submitter. Criteria: GeneDx Variant Classification Process June 2021. Collection method: clinical testing. Allele origin: germline. Affected: yes.
Comment: In silico analysis supports that this missense variant does not alter protein structure/function; Has not been previously published as pathogenic or benign to our knowledge

Labcorp Genetics (formerly Invitae), Labcorp
Classification: Likely benign for Charcot-Marie-Tooth disease axonal type 2O. Last evaluated: 2023-02-16. Review status: criteria provided, single submitter. Criteria: Invitae Variant Classification Sherloc (09022015). Collection method: clinical testing. Allele origin: germline.

NM_001376.5(DYNC1H1):c.97C>T (p.His33Tyr)

Gene: DYNC1H1 (dynein cytoplasmic 1 heavy chain 1; plus strand). Cytogenetic location: 14q32.31.
Variant type: single nucleotide variant.
Coding change: c.97C>T on transcript NM_001376.5 (MANE Select); coding-DNA position 97, C replaced by T.
Protein change: p.His33Tyr; replaces histidine 33 with tyrosine.
Molecular consequence: missense variant.
Genome position (GRCh38, 1-based): chr14:101,964,788, C>T. VCF-style: chr14-101964788-C-T. GRCh37 (hg19) VCF-style: chr14-102431125-C-T.
Other names: short protein forms H33Y.
Identifiers: ClinVar variation 582955 (VCV000582955.9), dbSNP rs903873576, ClinGen allele CA266961884.